The following is an entry in ClinVar:

ClinVar aggregate classification (germline): Likely pathogenic (1 of 4 stars; one submission).

Conditions:
Dilated cardiomyopathy 1G (CMD1G). Identifiers: Orphanet 154, MedGen C1858763, MONDO:0011400, OMIM 604145.
Autosomal recessive limb-girdle muscular dystrophy type 2J (LGMDR10). Also called: Limb-girdle muscular dystrophy, type 2J; MUSCULAR DYSTROPHY, LIMB-GIRDLE, AUTOSOMAL RECESSIVE 10. Identifiers: Orphanet 140922, MedGen C1837342, MONDO:0012127, OMIM 608807.

Submission:

Labcorp Genetics (formerly Invitae), Labcorp
Classification: Likely pathogenic for Dilated cardiomyopathy 1G; Autosomal recessive limb-girdle muscular dystrophy type 2J. Last evaluated: 2024-03-12. Review status: criteria provided, single submitter. Criteria: Invitae Variant Classification Sherloc (09022015). Collection method: clinical testing. Allele origin: germline.
Comment: This sequence change creates a premature translational stop signal (p.Thr25589Lysfs*8) in the TTN gene. While this is not anticipated to result in nonsense mediated decay, it is expected to create a truncated TTN protein. This variant is not present in population databases (gnomAD no frequency). This variant has not been reported in the literature in individuals affected with TTN-related conditions. This variant is located in the A band of TTN (PMID: 25589632). Truncating variants in this region are significantly overrepresented in patients affected with dilated cardiomyopathy (PMID: 25589632). Truncating variants in this region have also been reported in individuals affected with autosomal recessive centronuclear myopathy (PMID: 23975875). In summary, the currently available evidence indicates that the variant is pathogenic, but additional data are needed to prove that conclusively. Therefore, this variant has been classified as Likely Pathogenic.

Literature cited by the submitters: PubMed 25589632; PubMed 23975875.

NM_001267550.2(TTN):c.76766del (p.Thr25589fs)

Genes: TTN (titin; minus strand), TTN-AS1 (TTN antisense RNA 1; plus strand). Cytogenetic location: 2q31.2.
Variant type: Deletion.
Coding change: c.76766del on transcript NM_001267550.2 (MANE Select); coding-DNA position 76766, one base deleted (C; older notation c.76766delC).
Protein change: p.Thr25589fs; shifts the reading frame from threonine 25589.
Molecular consequence: frameshift variant.
Genome position (GRCh38, 1-based): chr2:178,569,366, G deleted on the plus strand (C on the coding strand, the reverse complement: TTN is on the minus strand). VCF-style (leftmost placement, unchanged base first): chr2-178569365-TG-T. GRCh37 (hg19) VCF-style: chr2-179434092-TG-T.
Other names: c.71843del, p.Thr23948fs (NM_001256850.1); c.49571del, p.Thr16524fs (NM_003319.4); c.69062del, p.Thr23021fs (NM_133378.4); c.49946del, p.Thr16649fs (NM_133432.3); c.50147del, p.Thr16716fs (NM_133437.4); short protein forms T16524fs, T16649fs, T16716fs, T23021fs, T23948fs, T25589fs.
Identifiers: ClinVar variation 3755228 (VCV003755228.2).